The following is an entry in ClinVar:

ClinVar aggregate classification (germline): Uncertain significance (1 of 4 stars; one submission).

Conditions:
Severe combined immunodeficiency due to DNA-PKcs deficiency. Also called: IMMUNODEFICIENCY 26 WITH NEUROLOGIC ABNORMALITIES; Immunodeficiency 26 with or without neurologic abnormalities. Identifiers: Orphanet 317425, MedGen C4014833, MONDO:0014423, OMIM 615966.

gnomAD v4.1: 3 of 1,552,798 alleles (0.00019%); highest among the groups gnomAD compares: Non-Finnish European, 0.00017%; no homozygotes.

Submission:

Labcorp Genetics (formerly Invitae), Labcorp
Classification: Uncertain significance for Severe combined immunodeficiency due to DNA-PKcs deficiency. Last evaluated: 2022-02-10. Review status: criteria provided, single submitter. Criteria: Invitae Variant Classification Sherloc (09022015). Collection method: clinical testing. Allele origin: germline.
Comment: This sequence change replaces threonine, which is neutral and polar, with asparagine, which is neutral and polar, at codon 3127 of the PRKDC protein (p.Thr3127Asn). This variant has not been reported in the literature in individuals affected with PRKDC-related conditions. Experimental studies and prediction algorithms are not available or were not evaluated, and the functional significance of this variant is currently unknown. This variant is present in population databases (no rsID available, gnomAD 0.001%). In summary, the available evidence is currently insufficient to determine the role of this variant in disease. Therefore, it has been classified as a Variant of Uncertain Significance.

NM_006904.7(PRKDC):c.9380C>A (p.Thr3127Asn)

Gene: PRKDC (protein kinase, DNA-activated, catalytic subunit; minus strand). Cytogenetic location: 8q11.21.
Variant type: single nucleotide variant.
Coding change: c.9380C>A on transcript NM_006904.7 (MANE Select); coding-DNA position 9380, C replaced by A.
Protein change: p.Thr3127Asn; replaces threonine 3127 with asparagine.
Molecular consequence: missense variant.
Genome position (GRCh38, 1-based): chr8:47,819,467, G>T on the plus strand (C>A on the coding strand, the complement: PRKDC is on the minus strand). VCF-style: chr8-47819467-G-T. GRCh37 (hg19) VCF-style: chr8-48732028-G-T.
Other names: c.9380C>A, p.Thr3127Asn (NM_001081640.2); short protein forms T3127N.
Identifiers: ClinVar variation 1988530 (VCV001988530.4), dbSNP rs1418662853, ClinGen allele CA371138249.